The following is an entry in ClinVar:

NM_001330260.2(SCN8A):c.2024A>G (p.Lys675Arg)

Gene: SCN8A (sodium voltage-gated channel alpha subunit 8; plus strand). Cytogenetic location: 12q13.13.
Variant type: single nucleotide variant.
Coding change: c.2024A>G on transcript NM_001330260.2 (MANE Select); coding-DNA position 2024, A replaced by G.
Protein change: p.Lys675Arg; replaces lysine 675 with arginine.
Molecular consequence: missense variant.
Genome position (GRCh38, 1-based): chr12:51,745,928, A>G. VCF-style: chr12-51745928-A-G. GRCh37 (hg19) VCF-style: chr12-52139712-A-G.
Other names: c.2024A>G, p.Lys675Arg (NM_001177984.3, NM_001369788.1, NM_014191.4); short protein forms K675R.
Identifiers: ClinVar variation 2084475 (VCV002084475.4), dbSNP rs780039059, ClinGen allele CA6571409.

ClinVar aggregate classification (germline): Uncertain significance (1 of 4 stars; one submission).

Conditions:
Early-infantile DEE. Also called: Early infantile epileptic encephalopathy; Early infantile epileptic encephalopathy with suppression bursts; Ohtahara syndrome. Identifiers: Orphanet 1934, MedGen C0393706, MONDO:0800491.

Allele frequency attached by ClinVar (database versions not stated): gnomAD exomes below 0.00001; TOPMed below 0.00001; ExAC 0.00001.
gnomAD v4.1: 5 of 1,593,184 alleles (0.00031%); highest among the groups gnomAD compares: Non-Finnish European, 0.00043%; no homozygotes.

Submission:

Labcorp Genetics (formerly Invitae), Labcorp
Classification: Uncertain significance for Early-infantile DEE. Last evaluated: 2021-12-09. Review status: criteria provided, single submitter. Criteria: Invitae Variant Classification Sherloc (09022015). Collection method: clinical testing. Allele origin: germline.
Comment: In summary, the available evidence is currently insufficient to determine the role of this variant in disease. Therefore, it has been classified as a Variant of Uncertain Significance. Algorithms developed to predict the effect of missense changes on protein structure and function (SIFT, PolyPhen-2, Align-GVGD) all suggest that this variant is likely to be tolerated. This variant has not been reported in the literature in individuals affected with SCN8A-related conditions. This variant is present in population databases (rs780039059, gnomAD 0.002%). This sequence change replaces lysine, which is basic and polar, with arginine, which is basic and polar, at codon 675 of the SCN8A protein (p.Lys675Arg).